The following is an entry in ClinVar:

NM_033380.3(COL4A5):c.2204T>G (p.Leu735Arg)

Gene: COL4A5 (collagen type IV alpha 5 chain; plus strand). Cytogenetic location: Xq22.3.
Variant type: single nucleotide variant.
Coding change: c.2204T>G on transcript NM_033380.3 (MANE Select); coding-DNA position 2204, T replaced by G.
Protein change: p.Leu735Arg; replaces leucine 735 with arginine.
Molecular consequence: missense variant.
Genome position (GRCh38, 1-based): chrX:108,603,021, T>G. VCF-style: chrX-108603021-T-G. GRCh37 (hg19) VCF-style: chrX-107846251-T-G.
Other names: c.2204T>G, p.Leu735Arg (NM_000495.5); short protein forms L735R.
Identifiers: ClinVar variation 3013346 (VCV003013346.3), dbSNP rs2524333166, ClinGen allele CA413847436.

ClinVar aggregate classification (germline): Uncertain significance (1 of 4 stars; one submission).

Submission:

Labcorp Genetics (formerly Invitae), Labcorp
Classification: Uncertain significance. Last evaluated: 2023-11-13. Review status: criteria provided, single submitter. Criteria: Invitae Variant Classification Sherloc (09022015). Collection method: clinical testing. Allele origin: germline.
Comment: This sequence change replaces leucine, which is neutral and non-polar, with arginine, which is basic and polar, at codon 735 of the COL4A5 protein (p.Leu735Arg). This variant is not present in population databases (gnomAD no frequency). This variant has not been reported in the literature in individuals affected with COL4A5-related conditions. Advanced modeling of protein sequence and biophysical properties (such as structural, functional, and spatial information, amino acid conservation, physicochemical variation, residue mobility, and thermodynamic stability) performed at Invitae indicates that this missense variant is not expected to disrupt COL4A5 protein function with a negative predictive value of 95%. In summary, the available evidence is currently insufficient to determine the role of this variant in disease. Therefore, it has been classified as a Variant of Uncertain Significance.